The following is an entry in ClinVar:

ClinVar aggregate classification (germline): Uncertain significance (1 of 4 stars; one submission).

gnomAD v4.1: 5 of 1,613,958 alleles (0.00031%); highest among the groups gnomAD compares: Admixed American, 0.0083%; no homozygotes.

Submission:

Ambry Genetics
Classification: Uncertain significance. Last evaluated: 2025-07-24. Review status: criteria provided, single submitter. Criteria: Ambry Variant Classification Scheme 2023. Collection method: clinical testing. Allele origin: germline.
Comment: The p.H1540R variant (also known as c.4619A>G), located in coding exon 33 of the MYOM1 gene, results from an A to G substitution at nucleotide position 4619. The histidine at codon 1540 is replaced by arginine, an amino acid with highly similar properties. This amino acid position is conserved. In addition, this alteration is predicted to be tolerated by in silico analysis. Based on the available evidence, the clinical significance of this variant remains unclear.

NM_003803.4(MYOM1):c.4619A>G (p.His1540Arg)

Gene: MYOM1 (myomesin 1; minus strand). Cytogenetic location: 18p11.31.
Variant type: single nucleotide variant.
Coding change: c.4619A>G on transcript NM_003803.4 (MANE Select); coding-DNA position 4619, A replaced by G.
Protein change: p.His1540Arg; replaces histidine 1540 with arginine.
Molecular consequence: missense variant.
Genome position (GRCh38, 1-based): chr18:3,079,208, T>C on the plus strand (A>G on the coding strand, the complement: MYOM1 is on the minus strand). VCF-style: chr18-3079208-T-C. GRCh37 (hg19) VCF-style: chr18-3079206-T-C.
Other names: c.4331A>G, p.His1444Arg (NM_019856.2); short protein forms H1540R, H1444R.
Identifiers: ClinVar variation 4115975 (VCV004115975.1).